The following is an entry in ClinVar:

ClinVar aggregate classification (germline): Uncertain significance (1 of 4 stars; one submission).

Submission:

Labcorp Genetics (formerly Invitae), Labcorp
Classification: Uncertain significance. Last evaluated: 2025-11-27. Review status: criteria provided, single submitter. Criteria: Invitae Variant Classification Sherloc (09022015). Collection method: clinical testing. Allele origin: germline.
Comment: This sequence change replaces threonine, which is neutral and polar, with alanine, which is neutral and non-polar, at codon 319 of the ADGRA3 protein (p.Thr319Ala). This variant is not present in population databases (gnomAD no frequency). This variant has not been reported in the literature in individuals affected with ADGRA3-related conditions. An algorithm developed to predict the effect of missense changes on protein structure and function (PolyPhen-2) suggests that this variant is likely to be disruptive. In summary, the available evidence is currently insufficient to determine the role of this variant in disease. Therefore, it has been classified as a Variant of Uncertain Significance.

NM_145290.4(ADGRA3):c.955A>G (p.Thr319Ala)

Gene: ADGRA3 (adhesion G protein-coupled receptor A3; minus strand). Cytogenetic location: 4p15.2.
Variant type: single nucleotide variant.
Coding change: c.955A>G on transcript NM_145290.4 (MANE Select); coding-DNA position 955, A replaced by G.
Protein change: p.Thr319Ala; replaces threonine 319 with alanine.
Molecular consequence: missense variant.
Genome position (GRCh38, 1-based): chr4:22,438,386, T>C on the plus strand (A>G on the coding strand, the complement: ADGRA3 is on the minus strand). VCF-style: chr4-22438386-T-C. GRCh37 (hg19) VCF-style: chr4-22440009-T-C.
Other names: short protein forms T319A.
Identifiers: ClinVar variation 4719084 (VCV004719084.1).